The following is an entry in ClinVar:

ClinVar aggregate classification (germline): Uncertain significance (1 of 4 stars; one submission).

Conditions:
Inborn genetic diseases. Identifiers: MedGen C0950123, MeSH D030342.

Submission:

Ambry Genetics
Classification: Uncertain significance for Inborn genetic diseases. Last evaluated: 2026-08-11. Review status: criteria provided, single submitter. Criteria: Ambry Variant Classification Scheme 2023. Collection method: clinical testing. Allele origin: germline.
Comment: The p.K430T variant (also known as c.1289A>C), located in coding exon 1 of the SAMD9L gene, results from an A to C substitution at nucleotide position 1289. The lysine at codon 430 is replaced by threonine, an amino acid with similar properties. This amino acid position is conserved. In addition, this alteration is predicted to be tolerated by in silico analysis. Based on the available evidence, the clinical significance of this variant remains unclear.

NM_152703.5(SAMD9L):c.1289A>C (p.Lys430Thr)

Gene: SAMD9L (sterile alpha motif domain containing 9 like; minus strand). Cytogenetic location: 7q21.2.
Variant type: single nucleotide variant.
Coding change: c.1289A>C on transcript NM_152703.5 (MANE Select); coding-DNA position 1289, A replaced by C.
Protein change: p.Lys430Thr; replaces lysine 430 with threonine.
Molecular consequence: missense variant.
Genome position (GRCh38, 1-based): chr7:93,134,683, T>G on the plus strand (A>C on the coding strand, the complement: SAMD9L is on the minus strand). VCF-style: chr7-93134683-T-G. GRCh37 (hg19) VCF-style: chr7-92763996-T-G.
Other names: c.1289A>C, p.Lys430Thr (NM_001303496.3, NM_001303497.3, NM_001303498.3 and 5 more transcripts); short protein forms K430T.
Identifiers: ClinVar variation 5028946 (VCV005028946.1).
Genomic context (GRCh38, chr7:93,134,683, plus strand): 5'-GATTCAGGATCAAACTCCAACACAGCAAACCATTTAATTTCTTTTAAAAAATCTAAGTGC[T>G]TTATTTGGTTTGGATGGCATTTATTTGTTACAAGAATGTACCAGTCATAGTATGAATTAT-3'
Protein context (NP_689916.2, residues 420-440): VTNKCHPNQI[Lys430Thr]HLDFLKEIKW